The following is an entry in ClinVar:

NM_001083614.2(EARS2):c.264G>A (p.Ala88=)

Gene: EARS2 (glutamyl-tRNA synthetase 2, mitochondrial; minus strand). Cytogenetic location: 16p12.2.
Variant type: single nucleotide variant.
Coding change: c.264G>A on transcript NM_001083614.2 (MANE Select); coding-DNA position 264, G replaced by A.
Protein change: p.Ala88=; no amino-acid change (alanine 88 retained).
Molecular consequence: synonymous variant. On other transcripts: non-coding transcript variant (1).
Genome position (GRCh38, 1-based): chr16:23,552,180, C>T on the plus strand (G>A on the coding strand, the complement: EARS2 is on the minus strand). VCF-style: chr16-23552180-C-T. GRCh37 (hg19) VCF-style: chr16-23563501-C-T.
Other names: p.A88A:GCG>GCA; c.264G>A, p.Ala88= (NM_001308211.1).
Identifiers: ClinVar variation 137191 (VCV000137191.25), dbSNP rs7187920, ClinGen allele CA290706.

ClinVar aggregate classification (germline): Benign. Review status: criteria provided, multiple submitters, no conflicts (2 of 4 stars). 9 submissions from 9 submitters: Benign (6). 3 of the submissions do not count toward it. Last evaluated 2026-02-03.

Conditions:
Leukoencephalopathy-thalamus and brainstem anomalies-high lactate syndrome. Also called: LEUKOENCEPHALOPATHY WITH THALAMUS AND BRAINSTEM INVOLVEMENT AND HIGH LACTATE; Combined oxidative phosphorylation deficiency 12. Identifiers: Orphanet 314051, MedGen C4706421, MONDO:0013971, OMIM 614924.

Allele frequency attached by ClinVar (database versions not stated): 1000 Genomes Project 30x 0.67270; 1000 Genomes Project 0.67472; TOPMed 0.71913; gnomAD 0.72509 and 0.72546; ESP Exome Variant Server 0.73434; ExAC 0.75605; gnomAD exomes 0.75730 and 0.79117.

Submissions (9):

Labcorp Genetics (formerly Invitae), Labcorp
Classification: Benign. Last evaluated: 2026-02-03. Review status: criteria provided, single submitter. Criteria: Invitae Variant Classification Sherloc (09022015). Collection method: clinical testing. Allele origin: germline.

Blueprint Genetics
Classification: Benign. Last evaluated: 2024-11-27. Review status: criteria provided, single submitter. Criteria: ACMG Guidelines, 2015. Collection method: clinical testing. Allele origin: germline.

Genome-Nilou Lab
Classification: Benign for Leukoencephalopathy-thalamus and brainstem anomalies-high lactate syndrome. Last evaluated: 2021-07-30. Review status: criteria provided, single submitter. Criteria: ACMG Guidelines, 2015. Collection method: clinical testing. Allele origin: germline. Affected: no.

Illumina Laboratory Services, Illumina
Classification: Benign for Leukoencephalopathy-thalamus and brainstem anomalies-high lactate syndrome. Last evaluated: 2018-01-12. Review status: criteria provided, single submitter. Criteria: ICSL Variant Classification Criteria 13 December 2019. Collection method: clinical testing. Allele origin: germline.
Comment: This variant was observed in the ICSL laboratory as part of a predisposition screen in an ostensibly healthy population. It had not been previously curated by ICSL or reported in the Human Gene Mutation Database (HGMD: prior to June 1st, 2018), and was therefore a candidate for classification through an automated scoring system. Utilizing variant allele frequency, disease prevalence and penetrance estimates, and inheritance mode, an automated score was calculated to assess if this variant is too frequent to cause the disease. Based on the score and internal cut-off values, a variant classified as benign is not then subjected to further curation. The score for this variant resulted in a classification of benign for this disease.

GeneDx
Classification: Benign. Last evaluated: 2013-09-05. Review status: criteria provided, single submitter. Criteria: GeneDx Variant Classification (06012015). Collection method: clinical testing. Allele origin: germline. Affected: yes.
Comment: This variant is considered likely benign or benign based on one or more of the following criteria: it is a conservative change, it occurs at a poorly conserved position in the protein, it is predicted to be benign by multiple in silico algorithms, and/or has population frequency not consistent with disease.

Breakthrough Genomics
Classification: Benign. Review status: criteria provided, single submitter. Criteria: ACMG Guidelines, 2015. Collection method: not provided. Allele origin: germline. Inheritance: Autosomal recessive inheritance. Affected: yes.

Mayo Clinic Laboratories, Mayo Clinic
Classification: Benign. Last evaluated: 2016-02-15. Review status: no assertion criteria provided. Collection method: clinical testing. Allele origin: unknown. Not counted in ClinVar's aggregate classification.

Diagnostic Laboratory, Department of Genetics, University Medical Center Groningen
Classification: Benign. Review status: no assertion criteria provided. Collection method: clinical testing. Allele origin: germline. Affected: yes. Study: VKGL Data-share Consensus. Not counted in ClinVar's aggregate classification.

Joint Genome Diagnostic Labs from Nijmegen and Maastricht, Radboudumc and MUMC+
Classification: Benign. Review status: no assertion criteria provided. Collection method: clinical testing. Allele origin: germline. Affected: yes. Study: VKGL Data-share Consensus. Not counted in ClinVar's aggregate classification.